The following is an entry in ClinVar:

NM_014049.5(ACAD9):c.1237G>A (p.Glu413Lys)

Gene: ACAD9 (acyl-CoA dehydrogenase family member 9; plus strand). Cytogenetic location: 3q21.3.
Variant type: single nucleotide variant.
Coding change: c.1237G>A on transcript NM_014049.5 (MANE Select); coding-DNA position 1237, G replaced by A.
Protein change: p.Glu413Lys; replaces glutamic acid 413 with lysine.
Molecular consequence: missense variant. On other transcripts: non-coding transcript variant (1).
Genome position (GRCh38, 1-based): chr3:128,906,208, G>A. VCF-style: chr3-128906208-G-A. GRCh37 (hg19) VCF-style: chr3-128625051-G-A.
Other names: short protein forms E413K.
Identifiers: ClinVar variation 242463 (VCV000242463.54), dbSNP rs149753643, ClinGen allele CA353819.

ClinVar aggregate classification (germline): Pathogenic/Likely pathogenic. Review status: criteria provided, multiple submitters, no conflicts (2 of 4 stars). 11 submissions from 11 submitters: Pathogenic (10); Likely pathogenic (1). Last evaluated 2025-09-30.

Conditions:
ACAD9-related disorder. Also called: ACAD9-related condition.
Mitochondrial complex I deficiency. Also called: NADH:Q(1) OXIDOREDUCTASE DEFICIENCY. Identifiers: Orphanet 2609, MedGen C1838979, MeSH C537475, MONDO:0100133.
Acyl-CoA dehydrogenase 9 deficiency. Also called: MITOCHONDRIAL COMPLEX I DEFICIENCY, NUCLEAR TYPE 20; Acyl-CoA dehydrogenase family, member 9, deficiency of. Identifiers: Orphanet 99901, MedGen C4747517, MONDO:0012624, OMIM 611126.

Allele frequency attached by ClinVar (database versions not stated): gnomAD 0.00001; gnomAD exomes 0.00001 and 0.00002; TOPMed 0.00001; ExAC 0.00002; ESP Exome Variant Server 0.00008; 1000 Genomes Project 30x 0.00016; 1000 Genomes Project 0.00020.
gnomAD v4.1: 16 of 1,614,192 alleles (0.00099%); highest among the groups gnomAD compares: Admixed American, 0.0017%; no homozygotes.

Submissions (11):

3billion
Classification: Pathogenic for Acyl-CoA dehydrogenase 9 deficiency. Last evaluated: 2025-09-30. Review status: criteria provided, single submitter. Criteria: ACMG Guidelines, 2015. Collection method: clinical testing. Allele origin: germline. Affected: yes.
Comment: The variant is observed at an extremely low frequency in the gnomAD v4.1.0 dataset (total allele frequency: <0.001%). Predicted Consequence/Location: Missense variant. The majority of the known disease-causing variants of this gene are variants expected to result in premature termination of the protein. Functional studies provide strong evidence of the variant having a damaging effect on the gene or gene product (PMID: 25721401). In silico tool predictions suggest damaging effect of the variant on gene or gene product [REVEL: 0.95 (>=0.6, sensitivity 0.68 and specificity 0.92); 3Cnet: 0.82 (> 0.75, sensitivity 0.96 and precision 0.92)]. The same nucleotide change resulting in the same amino acid change has been previously reported as pathogenic/likely pathogenic with strong evidence (ClinVar ID: VCV000242463 /PMID: 20816094). The variant has been reported to be in trans with a pathogenic variant as either compound heterozygous or homozygous in at least 2 similarly affected unrelated individuals (PMID: 20816094, 26669660, 30025539, 30831263). The variant has been reported to co-segregate with the disease in at least one similarly affected relative/individual in the same family or similarly affected unrelated families (PMID: 20816094). Therefore, this variant is classified as Pathogenic according to the recommendation of ACMG/AMP guideline.

PreventionGenetics, part of Exact Sciences
Classification: Pathogenic for ACAD9-related condition. Last evaluated: 2025-07-14. Review status: criteria provided, single submitter. Criteria: ACMG Guidelines, 2015. Collection method: clinical testing. Allele origin: germline.
Comment: The ACAD9 c.1237G>A variant is predicted to result in the amino acid substitution p.Glu413Lys. This variant has been reported in the compound heterozgyous state in individuals with mitochondrial omplex I deficiency/ACAD9 defiency or hypertrophic cardiomyopathy (Repp et al. 2018. PubMed ID: 30025539; Nogueira et al. 2019. PubMed ID: 30831263; Burstein et al. 2020. PubMed ID: 32746448; Collet et al. 2015. PubMed ID: 26669660; Keisling et al. 2024. PubMed ID: 37923198). Functional studies showed that the p.Glu413Lys variant results in no detectable dehydrogenase activity (Schiff et al. 2015. PubMed ID: 25721401). This variant is reported in 0.012% of alleles in individuals of African descent in gnomAD. This variant is interpreted as pathogenic.

Labcorp Genetics (formerly Invitae), Labcorp
Classification: Pathogenic. Last evaluated: 2025-07-13. Review status: criteria provided, single submitter. Criteria: Invitae Variant Classification Sherloc (09022015). Collection method: clinical testing. Allele origin: germline.
Comment: This sequence change replaces glutamic acid, which is acidic and polar, with lysine, which is basic and polar, at codon 413 of the ACAD9 protein (p.Glu413Lys). This variant is present in population databases (rs149753643, gnomAD 0.007%). This missense change has been observed in individuals with ACAD9 deficiency (PMID: 20816094, 26669660, 30025539, 30831263). ClinVar contains an entry for this variant (Variation ID: 242463). Invitae Evidence Modeling of protein sequence and biophysical properties (such as structural, functional, and spatial information, amino acid conservation, physicochemical variation, residue mobility, and thermodynamic stability) indicates that this missense variant is expected to disrupt ACAD9 protein function with a positive predictive value of 80%. Experimental studies have shown that this missense change affects ACAD9 function (PMID: 25721401). For these reasons, this variant has been classified as Pathogenic.

GeneDx
Classification: Pathogenic. Last evaluated: 2025-06-23. Review status: criteria provided, single submitter. Criteria: GeneDx Variant Classification Process June 2021. Collection method: clinical testing. Allele origin: germline. Affected: yes.
Comment: Not observed at significant frequency in large population cohorts (gnomAD); In vitro studies show that variant may affect protein function (PMID: 25721401); In silico analysis supports that this missense variant has a deleterious effect on protein structure/function; This variant is associated with the following publications: (PMID: 28070495, 30025539, 23996478, 30831263, 26669660, 31589614, 34426522, 35314707, 32746448, 34646991, 38465286, 37845732, 36918699, 37923198, 25721401, 20816094)

Natera, Inc.
Classification: Pathogenic for ACAD9 deficiency. Last evaluated: 2025-04-30. Review status: criteria provided, single submitter. Criteria: Natera Variant Classification Schema (03/2026). Collection method: clinical testing. Allele origin: germline.
Comment: The c.1237G>A variant in ACAD9 is a missense variant predicted to cause substitution of glutamic acid to lysine at amino acid 413. This variant is rare in the general population with a frequency below the threshold expected for the associated phenotype(s). This variant has been observed in one or more individuals affected with the associated recessive disease, as either homozygous or compound heterozygous with a second variant (PMID: 26669660, 20816094, 30025539, 30831263). Additionally, this variant has been observed to segregate in affected family members (PMID: 30025539). Computational prediction algorithms indicate this variant is likely to affect gene or protein function. Given the available evidence, this variant is classified as Pathogenic.

Revvity Omics, Revvity
Classification: Pathogenic for Acyl-CoA dehydrogenase 9 deficiency. Last evaluated: 2024-11-26. Review status: criteria provided, single submitter. Criteria: ACMG Guidelines, 2015. Collection method: clinical testing. Allele origin: germline.

Fulgent Genetics
Classification: Pathogenic for Acyl-CoA dehydrogenase 9 deficiency. Last evaluated: 2024-03-06. Review status: criteria provided, single submitter. Criteria: ACMG Guidelines, 2015. Collection method: clinical testing. Allele origin: germline.

Women's Health and Genetics/Laboratory Corporation of America, LabCorp
Classification: Pathogenic for Mitochondrial complex I deficiency. Last evaluated: 2022-08-11. Review status: criteria provided, single submitter. Criteria: LabCorp Variant Classification Summary - May 2015. Collection method: clinical testing. Allele origin: germline.
Comment: Variant summary: ACAD9 c.1237G>A (p.Glu413Lys) results in a conservative amino acid change located in the Acyl-CoA dehydrogenase/oxidase C-terminal domain (IPR009075) of the encoded protein sequence. Four of five in-silico tools predict a damaging effect of the variant on protein function. The variant allele was found at a frequency of 2e-05 in 251400 control chromosomes (gnomAD). c.1237G>A has been reported in the literature in multiple individuals affected with Mitochondrial Complex I Deficiency (e.g. Nouws_2010, Schiff_2015, Repp_2018, Nogueira_2019). These data indicate that the variant is very likely to be associated with disease. Experimental evidence evaluating an impact on protein function demonstrated the variant had no detectable dehydrogenase activity (Schiff_2015). Three ClinVar submitters (evaluation after 2014) cite the variant as pathogenic/likely pathogenic. Based on the evidence outlined above, the variant was classified as pathogenic.

ARUP Laboratories, Molecular Genetics and Genomics, ARUP Laboratories
Classification: Pathogenic. Last evaluated: 2017-08-04. Review status: criteria provided, single submitter. Criteria: ARUP Molecular Germline Variant Investigation Process. Collection method: clinical testing. Allele origin: germline.
Comment: The c.1237G>A; p.Glu413Lys ACAD9 variant has been previously reported in a patient who also carried the c.187G>T; p.Glu62Ter variant. Nouws et al. (2010) showed by protein modeling that the replacement of glutamic acid by lysine in codon 413 will disturb the interaction with arginine 417, and will result in repulsion. The p.Glu413Lys ACAD9 variant was also reported in patient who also carried c.1552C>T; Schiff et al. (2015) showed no detectable dehydrogenase activity in the recombinant purified ACAD9 p.Glu413Lys mutant protein that was proven to be unstable.

Juno Genomics, Hangzhou Juno Genomics, Inc
Classification: Pathogenic for Acyl-CoA dehydrogenase 9 deficiency. Review status: criteria provided, single submitter. Criteria: ACMG Guidelines, 2015. Collection method: clinical testing. Allele origin: germline. Affected: yes.
Comment: Absent from controls (or at extremely low frequency if recessive) in Genome Aggregation Database, Exome Sequencing Project, 1000 Genomes Project, or Exome Aggregation Consortium.;Well-established in vitro or in vivo functional studies supportive of a damaging effect on the gene or gene product.;For recessive disorders, detected in trans with a pathogenic variant.;Co-segregation with disease in multiple affected family members in a gene definitively known to cause the disease.

Pediatric Department, Xiangya Hospital, Central South University
Classification: Likely pathogenic for Acyl-CoA dehydrogenase 9 deficiency. Review status: criteria provided, single submitter. Criteria: ACMG Guidelines, 2015. Collection method: clinical testing. Allele origin: maternal. Inheritance: Autosomal recessive inheritance. Affected: yes. Observed: 2 compound heterozygotes. Clinical features observed: Abnormality of the cardiovascular system, Respiratory distress.
Comment: This variant was observed in compound heterozygosity with variant (c.1693-1G>A)

Literature cited by the submitters: PubMed 30831263 (cited by 4 submitters); PubMed 26669660 (cited by 3 submitters); PubMed 20816094 (cited by 4 submitters); PubMed 30025539 (cited by 4 submitters); PubMed 25721401 (cited by 3 submitters).